The following is an entry in ClinVar:

NM_153676.4(USH1C):c.2408T>C (p.Met803Thr)

Gene: USH1C (USH1 protein network component harmonin; minus strand). Cytogenetic location: 11p15.1.
Variant type: single nucleotide variant.
Coding change: c.2408T>C on transcript NM_153676.4 (MANE Select); coding-DNA position 2408, T replaced by C.
Protein change: p.Met803Thr; replaces methionine 803 with threonine.
Molecular consequence: missense variant. On other transcripts: non-coding transcript variant (1).
Genome position (GRCh38, 1-based): chr11:17,498,244, A>G on the plus strand (T>C on the coding strand, the complement: USH1C is on the minus strand). VCF-style: chr11-17498244-A-G. GRCh37 (hg19) VCF-style: chr11-17519791-A-G.
Other names: c.1451T>C, p.Met484Thr (NM_001297764.2); c.1508T>C, p.Met503Thr (NM_005709.4); short protein forms M503T, M484T, M803T.
Identifiers: ClinVar variation 2193365 (VCV002193365.3), dbSNP rs1049551355, ClinGen allele CA218483226.

ClinVar aggregate classification (germline): Uncertain significance. Review status: criteria provided, multiple submitters, no conflicts (2 of 4 stars). 2 submissions from 2 submitters: Uncertain significance (2). Last evaluated 2022-11-15.

Allele frequency attached by ClinVar (database versions not stated): gnomAD exomes below 0.00001; TOPMed 0.00001; gnomAD 0.00002.
gnomAD v4.1: 6 of 1,614,102 alleles (0.00037%); highest among the groups gnomAD compares: African/African-American, 0.004%; no homozygotes.

Submissions (2):

Labcorp Genetics (formerly Invitae), Labcorp
Classification: Uncertain significance. Last evaluated: 2022-11-15. Review status: criteria provided, single submitter. Criteria: Invitae Variant Classification Sherloc (09022015). Collection method: clinical testing. Allele origin: germline.
Comment: In summary, the available evidence is currently insufficient to determine the role of this variant in disease. Therefore, it has been classified as a Variant of Uncertain Significance. Algorithms developed to predict the effect of missense changes on protein structure and function are either unavailable or do not agree on the potential impact of this missense change (SIFT: "Deleterious"; PolyPhen-2: "Possibly Damaging"; Align-GVGD: "Class C0"). This variant has not been reported in the literature in individuals affected with USH1C-related conditions. This variant is present in population databases (no rsID available, gnomAD 0.008%). This sequence change replaces methionine, which is neutral and non-polar, with threonine, which is neutral and polar, at codon 503 of the USH1C protein (p.Met503Thr).

Blueprint Genetics
Classification: Uncertain significance. Last evaluated: 2022-02-15. Review status: criteria provided, single submitter. Criteria: ACMG Guidelines, 2015. Collection method: clinical testing. Allele origin: germline.